The following is an entry in ClinVar:

ClinVar aggregate classification (germline): Uncertain significance (1 of 4 stars; one submission).

Conditions:
Inborn genetic diseases. Identifiers: MedGen C0950123, MeSH D030342.

gnomAD v4.1: 1 of 1,614,118 alleles (0.000062%); highest among the groups gnomAD compares: South Asian, 0.0011%; no homozygotes.

Submission:

Ambry Genetics
Classification: Uncertain significance for Inborn genetic diseases. Last evaluated: 2026-07-07. Review status: criteria provided, single submitter. Criteria: Ambry Variant Classification Scheme 2023. Collection method: clinical testing. Allele origin: germline.
Comment: The p.R222S variant (also known as c.666G>T), located in coding exon 5 of the ETV6 gene, results from a G to T substitution at nucleotide position 666. The arginine at codon 222 is replaced by serine, an amino acid with dissimilar properties. This amino acid position is conserved. In addition, this alteration is predicted to be tolerated by in silico analysis. Based on the available evidence, the clinical significance of this variant remains unclear.

NM_001987.5(ETV6):c.666G>T (p.Arg222Ser)

Gene: ETV6 (ETS variant transcription factor 6; plus strand). Cytogenetic location: 12p13.2.
Variant type: single nucleotide variant.
Coding change: c.666G>T on transcript NM_001987.5 (MANE Select); coding-DNA position 666, G replaced by T.
Protein change: p.Arg222Ser; replaces arginine 222 with serine.
Molecular consequence: missense variant.
Genome position (GRCh38, 1-based): chr12:11,869,626, G>T. VCF-style: chr12-11869626-G-T. GRCh37 (hg19) VCF-style: chr12-12022560-G-T.
Other names: c.663G>T, p.Arg221Ser (NM_001413913.1); c.639G>T, p.Arg213Ser (NM_001413914.1); c.402G>T, p.Arg134Ser (NM_001413915.1); c.666G>T, p.Arg222Ser (NM_001413916.1, NM_001413917.1); short protein forms R221S, R213S, R134S, R222S.
Identifiers: ClinVar variation 5036185 (VCV005036185.1).